The following is an entry in ClinVar:

ClinVar aggregate classification (germline): Benign/Likely benign. Review status: criteria provided, multiple submitters, no conflicts (2 of 4 stars). 7 submissions from 7 submitters: Benign (1); Likely benign (6). Last evaluated 2025-08-11.

Conditions:
Hereditary cancer-predisposing syndrome. Also called: Tumor predisposition; Neoplastic Syndromes, Hereditary; Hereditary neoplastic syndrome; Hereditary Cancer Syndrome. Identifiers: Orphanet 140162, MedGen C0027672, MeSH D009386, MONDO:0015356.
Familial cancer of breast. Also called: BREAST CANCER, FAMILIAL; hereditary breast carcinoma; Hereditary breast cancer. Identifiers: Orphanet 227535, MedGen C0346153, MONDO:0016419, OMIM 114480. Disease mechanism: loss of function.

Allele frequency attached by ClinVar (database versions not stated): TOPMed below 0.00001; gnomAD exomes 0.00001; ExAC 0.00002.
gnomAD v4.1: 16 of 1,613,958 alleles (0.00099%); highest among the groups gnomAD compares: Non-Finnish European, 0.0014%; no homozygotes.

Submissions (7):

Labcorp Genetics (formerly Invitae), Labcorp
Classification: Likely benign for Familial cancer of breast. Last evaluated: 2025-08-11. Review status: criteria provided, single submitter. Criteria: Invitae Variant Classification Sherloc (09022015). Collection method: clinical testing. Allele origin: germline.

Myriad Genetics, Inc.
Classification: Benign for Familial cancer of breast. Last evaluated: 2024-07-29. Review status: criteria provided, single submitter. Criteria: Myriad Autosomal Dominant, Autosomal Recessive and X-Linked Classification Criteria (2023). Collection method: clinical testing. Allele origin: unknown.
Comment: This variant is considered benign. This variant is a silent/synonymous amino acid change and it is not expected to impact splicing.

Blueprint Genetics
Classification: Likely benign. Last evaluated: 2024-06-25. Review status: criteria provided, single submitter. Criteria: ACMG Guidelines, 2015. Collection method: clinical testing. Allele origin: germline.

Department of Pathology and Laboratory Medicine, Sinai Health System
Classification: Likely benign for Familial cancer of breast. Last evaluated: 2024-03-15. Review status: criteria provided, single submitter. Criteria: ACMG Guidelines, 2015. Collection method: clinical testing. Allele origin: germline. Affected: yes.

GeneDx
Classification: Likely benign. Last evaluated: 2018-06-20. Review status: criteria provided, single submitter. Criteria: GeneDx Variant Classification (06012015). Collection method: clinical testing. Allele origin: germline. Affected: yes.
Comment: This variant is considered likely benign or benign based on one or more of the following criteria: it is a conservative change, it occurs at a poorly conserved position in the protein, it is predicted to be benign by multiple in silico algorithms, and/or has population frequency not consistent with disease.

Color Diagnostics, LLC DBA Color Health
Classification: Likely benign for Hereditary cancer-predisposing syndrome. Last evaluated: 2017-03-10. Review status: criteria provided, single submitter. Criteria: ACMG Guidelines, 2015. Collection method: clinical testing. Allele origin: germline.

Ambry Genetics
Classification: Likely benign for Hereditary cancer-predisposing syndrome. Last evaluated: 2014-07-11. Review status: criteria provided, single submitter. Criteria: Ambry Variant Classification Scheme 2023. Collection method: clinical testing. Allele origin: germline.

NM_000465.4(BARD1):c.1920A>G (p.Leu640=)

Gene: BARD1 (BRCA1 associated RING domain 1; minus strand). Cytogenetic location: 2q35.
Variant type: single nucleotide variant.
Coding change: c.1920A>G on transcript NM_000465.4 (MANE Select); coding-DNA position 1920, A replaced by G.
Protein change: p.Leu640=; no amino-acid change (leucine 640 retained).
Molecular consequence: synonymous variant. On other transcripts: non-coding transcript variant (3).
Genome position (GRCh38, 1-based): chr2:214,730,492, T>C on the plus strand (A>G on the coding strand, the complement: BARD1 is on the minus strand). VCF-style: chr2-214730492-T-C. GRCh37 (hg19) VCF-style: chr2-215595216-T-C.
Other names: c.1863A>G, p.Leu621= (NM_001282543.2); c.567A>G, p.Leu189= (NM_001282545.2); c.510A>G, p.Leu170= (NM_001282548.2); c.381A>G, p.Leu127= (NM_001282549.2).
Identifiers: ClinVar variation 185522 (VCV000185522.23), dbSNP rs780901872, ClinGen allele CA192178.